The following is an entry in ClinVar:

NM_024809.5(TCTN2):c.22G>A (p.Ala8Thr)

Gene: TCTN2 (tectonic family member 2; plus strand). Cytogenetic location: 12q24.31.
Variant type: single nucleotide variant.
Coding change: c.22G>A on transcript NM_024809.5 (MANE Select); coding-DNA position 22, G replaced by A.
Protein change: p.Ala8Thr; replaces alanine 8 with threonine.
Molecular consequence: missense variant.
Genome position (GRCh38, 1-based): chr12:123,671,262, G>A. VCF-style: chr12-123671262-G-A. GRCh37 (hg19) VCF-style: chr12-124155809-G-A.
Other names: c.22G>A, p.Ala8Thr (NM_001143850.3, NM_001410989.1); c.22G>A (NM_024809.3); short protein forms A8T.
Identifiers: ClinVar variation 2145665 (VCV002145665.3), dbSNP rs773471004, ClinGen allele CA6860752.

ClinVar aggregate classification (germline): Uncertain significance. Review status: criteria provided, multiple submitters, no conflicts (2 of 4 stars). 3 submissions from 3 submitters: Uncertain significance (3). Last evaluated 2024-08-27.

Conditions:
Inborn genetic diseases. Identifiers: MedGen C0950123, MeSH D030342.
Joubert syndrome. Also called: CEREBELLOPARENCHYMAL DISORDER IV; JOUBERT-BOLTSHAUSER SYNDROME; Familial aplasia of the vermis. Identifiers: Orphanet 475, MedGen C5979921, MONDO:0018772.
Meckel-Gruber syndrome. Also called: DYSENCEPHALIA SPLANCHNOCYSTICA; GRUBER SYNDROME; Dysencephalia splachnocystica. Identifiers: Orphanet 564, MedGen C0265215, MONDO:0018921.
Meckel syndrome, type 8. Identifiers: Orphanet 564, MedGen C3836857, MONDO:0013482, OMIM 613885.
Joubert syndrome 24 (JBTS24). Identifiers: Orphanet 475, MedGen C4084841, MONDO:0014724, OMIM 616654.

Allele frequency attached by ClinVar (database versions not stated): ExAC 0.00002; gnomAD exomes 0.00002; gnomAD 0.00009; TOPMed 0.00011.
gnomAD v4.1: 38 of 1,613,436 alleles (0.0024%); highest among the groups gnomAD compares: African/African-American, 0.045%; no homozygotes.

Submissions (3):

Ambry Genetics
Classification: Uncertain significance for Inborn genetic diseases. Last evaluated: 2024-08-27. Review status: criteria provided, single submitter. Criteria: Ambry Variant Classification Scheme 2023. Collection method: clinical testing. Allele origin: germline.

Fulgent Genetics
Classification: Uncertain significance for Meckel syndrome, type 8; Joubert syndrome 24. Last evaluated: 2024-05-02. Review status: criteria provided, single submitter. Criteria: ACMG Guidelines, 2015. Collection method: clinical testing. Allele origin: germline.

Labcorp Genetics (formerly Invitae), Labcorp
Classification: Uncertain significance for Joubert syndrome; Meckel-Gruber syndrome. Last evaluated: 2022-08-16. Review status: criteria provided, single submitter. Criteria: Invitae Variant Classification Sherloc (09022015). Collection method: clinical testing. Allele origin: germline.
Comment: This sequence change replaces alanine, which is neutral and non-polar, with threonine, which is neutral and polar, at codon 8 of the TCTN2 protein (p.Ala8Thr). This variant is present in population databases (rs773471004, gnomAD 0.05%). This variant has not been reported in the literature in individuals affected with TCTN2-related conditions. Algorithms developed to predict the effect of missense changes on protein structure and function are either unavailable or do not agree on the potential impact of this missense change (SIFT: "Tolerated"; PolyPhen-2: "Not Available"; Align-GVGD: "Class C0"). In summary, the available evidence is currently insufficient to determine the role of this variant in disease. Therefore, it has been classified as a Variant of Uncertain Significance.